The following is an entry in ClinVar:

NM_020964.3(EPG5):c.353T>C (p.Val118Ala)

Gene: EPG5 (ectopic P-granules 5 autophagy tethering factor; minus strand). Cytogenetic location: 18q21.1.
Variant type: single nucleotide variant.
Coding change: c.353T>C on transcript NM_020964.3 (MANE Select); coding-DNA position 353, T replaced by C.
Protein change: p.Val118Ala; replaces valine 118 with alanine.
Molecular consequence: missense variant.
Genome position (GRCh38, 1-based): chr18:45,955,049, A>G on the plus strand (T>C on the coding strand, the complement: EPG5 is on the minus strand). VCF-style: chr18-45955049-A-G. GRCh37 (hg19) VCF-style: chr18-43535015-A-G.
Other names: short protein forms V118A.
Identifiers: ClinVar variation 1415784 (VCV001415784.7), dbSNP rs2143791192, ClinGen allele CA402351912.

ClinVar aggregate classification (germline): Uncertain significance (1 of 4 stars; one submission).

Conditions:
Vici syndrome (VICIS). Identifiers: Orphanet 1493, MedGen C1855772, MONDO:0009452, OMIM 242840.

Submission:

Labcorp Genetics (formerly Invitae), Labcorp
Classification: Uncertain significance for Vici syndrome. Last evaluated: 2022-07-26. Review status: criteria provided, single submitter. Criteria: Invitae Variant Classification Sherloc (09022015). Collection method: clinical testing. Allele origin: germline.
Comment: Algorithms developed to predict the effect of missense changes on protein structure and function (SIFT, PolyPhen-2, Align-GVGD) all suggest that this variant is likely to be tolerated. ClinVar contains an entry for this variant (Variation ID: 1415784). This variant has not been reported in the literature in individuals affected with EPG5-related conditions. This variant is not present in population databases (gnomAD no frequency). This sequence change replaces valine, which is neutral and non-polar, with alanine, which is neutral and non-polar, at codon 118 of the EPG5 protein (p.Val118Ala). In summary, the available evidence is currently insufficient to determine the role of this variant in disease. Therefore, it has been classified as a Variant of Uncertain Significance.